The following is an entry in ClinVar:

NM_001370259.2(MEN1):c.601A>G (p.Lys201Glu)

Gene: MEN1 (menin 1; minus strand). Cytogenetic location: 11q13.1.
Variant type: single nucleotide variant.
Coding change: c.601A>G on transcript NM_001370259.2 (MANE Select); coding-DNA position 601, A replaced by G.
Protein change: p.Lys201Glu; replaces lysine 201 with glutamic acid.
Molecular consequence: missense variant. On other transcripts: intron variant (2).
Genome position (GRCh38, 1-based): chr11:64,807,944, T>C on the plus strand (A>G on the coding strand, the complement: MEN1 is on the minus strand). VCF-style: chr11-64807944-T-C. GRCh37 (hg19) VCF-style: chr11-64575416-T-C.
Other names: c.616A>G, p.Lys206Glu (NM_000244.4, NM_001407145.1, NM_001407150.1 and 5 more transcripts); c.601A>G, p.Lys201Glu (NM_001370251.2, NM_001370260.2, NM_001370261.2 and 7 more transcripts); c.549+52A>G (NM_001370263.2, NM_001370262.2); short protein forms K201E, K206E.
Identifiers: ClinVar variation 2078568 (VCV002078568.4), dbSNP rs1941854974, ClinGen allele CA381185488.

ClinVar aggregate classification (germline): Uncertain significance (1 of 4 stars; one submission).

Conditions:
Multiple endocrine neoplasia, type 1 (MEN1). Also called: Endocrine adenomatosis multiple; MEN 1; MEN I; WERMER SYNDROME; MEA I. Identifiers: Orphanet 652, MedGen C0025267, MeSH D018761, MONDO:0007540, OMIM 131100.

Submission:

Labcorp Genetics (formerly Invitae), Labcorp
Classification: Uncertain significance for Multiple endocrine neoplasia, type 1. Last evaluated: 2022-06-27. Review status: criteria provided, single submitter. Criteria: Invitae Variant Classification Sherloc (09022015). Collection method: clinical testing. Allele origin: germline.
Comment: This variant is not present in population databases (gnomAD no frequency). This sequence change replaces lysine, which is basic and polar, with glutamic acid, which is acidic and polar, at codon 201 of the MEN1 protein (p.Lys201Glu). This variant has not been reported in the literature in individuals affected with MEN1-related conditions. Advanced modeling of protein sequence and biophysical properties (such as structural, functional, and spatial information, amino acid conservation, physicochemical variation, residue mobility, and thermodynamic stability) performed at Invitae indicates that this missense variant is expected to disrupt MEN1 protein function. In summary, the available evidence is currently insufficient to determine the role of this variant in disease. Therefore, it has been classified as a Variant of Uncertain Significance.